The following is an entry in ClinVar:

NM_201384.3(PLEC):c.7312C>T (p.Arg2438Ter)

Gene: PLEC (plectin; minus strand). Cytogenetic location: 8q24.3.
Variant type: single nucleotide variant.
Coding change: c.7312C>T on transcript NM_201384.3 (MANE Select); coding-DNA position 7312, C replaced by T.
Protein change: p.Arg2438Ter; replaces arginine 2438 with a stop codon.
Molecular consequence: nonsense.
Genome position (GRCh38, 1-based): chr8:143,922,617, G>A on the plus strand (C>T on the coding strand, the complement: PLEC is on the minus strand). VCF-style: chr8-143922617-G-A. GRCh37 (hg19) VCF-style: chr8-144996785-G-A.
Other names: c.7393C>T, p.Arg2465Ter (NM_000445.5); c.7270C>T, p.Arg2424Ter (NM_201378.4); c.7246C>T, p.Arg2416Ter (NM_201379.3); c.7723C>T, p.Arg2575Ter (NM_201380.4); c.7216C>T, p.Arg2406Ter (NM_201381.3); c.7312C>T, p.Arg2438Ter (NM_201382.4); c.7324C>T, p.Arg2442Ter (NM_201383.3); short protein forms R2406*, R2442*, R2416*, R2424*, R2465*, R2438*, R2575*.
Identifiers: ClinVar variation 2136715 (VCV002136715.4), dbSNP rs1554690016, ClinGen allele CA372526262.
Genomic context (GRCh38, chr8:143,922,617, plus strand): 5'-CACGCTCCAGCTCAGCGATGGCCTCCCGCAGGCGCTCGGCATCATGGTCACTCTGCTGTC[G>A]CTGGATCTCCAGTGTCTGCACCAGGGTCACCTTCTCCTGGGTGGCGAGCTCCGTGCGGTG-3'

ClinVar aggregate classification (germline): Pathogenic (1 of 4 stars; one submission).

Conditions:
Epidermolysis bullosa simplex with nail dystrophy (EBS5D). Identifiers: MedGen C4225309, MONDO:0014661, OMIM 616487.
Epidermolysis bullosa simplex 5C, with pyloric atresia (EBS5C). Also called: Epidermolysis bullosa simplex with pyloric atresia; PLEC-Related Epidermolysis Bullosa with Pyloric Atresia; PLEC1-Related Epidermolysis Bullosa with Pyloric Atresia. Identifiers: Orphanet 158684, MedGen C2677349, MONDO:0012807, OMIM 612138.
Autosomal recessive limb-girdle muscular dystrophy type 2Q (LGMDR17). Also called: MUSCULAR DYSTROPHY, LIMB-GIRDLE, AUTOSOMAL RECESSIVE 17. Identifiers: Orphanet 254361, MedGen C3150989, MONDO:0013390, OMIM 613723.
Epidermolysis bullosa simplex 5B, with muscular dystrophy (EBS5B). Also called: Epidermolysis bullosa simplex with muscular dystrophy; EPIDERMOLYSIS BULLOSA SIMPLEX AND LIMB-GIRDLE MUSCULAR DYSTROPHY. Identifiers: Orphanet 257, MedGen C2931072, MONDO:0009181, OMIM 226670.
Epidermolysis bullosa simplex, Ogna type (EBS5A). Also called: Pidermolysis bullosa simplex 5A, Ogna type; EPIDERMOLYSIS BULLOSA SIMPLEX 5A, OGNA TYPE. Identifiers: Orphanet 79401, MedGen C0432317, MONDO:0007555, OMIM 131950.

Allele frequency attached by ClinVar (database versions not stated): gnomAD 0.00001; gnomAD exomes 0.00001; TOPMed 0.00002.

Submission:

Labcorp Genetics (formerly Invitae), Labcorp
Classification: Pathogenic for Autosomal recessive limb-girdle muscular dystrophy type 2Q; Epidermolysis bullosa simplex, Ogna type; Epidermolysis bullosa simplex with nail dystrophy; Epidermolysis bullosa simplex 5C, with pyloric atresia; Epidermolysis bullosa simplex 5B, with muscular dystrophy. Last evaluated: 2025-08-01. Review status: criteria provided, single submitter. Criteria: Invitae Variant Classification Sherloc (09022015). Collection method: clinical testing. Allele origin: germline.
Comment: This sequence change creates a premature translational stop signal (p.Arg2465*) in the PLEC gene. It is expected to result in an absent or disrupted protein product. Loss-of-function variants in PLEC are known to be pathogenic (PMID: 20301336, 20447487, 21109228, 23289980, 28824526). This variant is present in population databases (no rsID available, gnomAD 0.005%). This premature translational stop signal has been observed in individual(s) with autosomal recessive epidermolysis bullosa (PMID: 15810881). ClinVar contains an entry for this variant (Variation ID: 2136715). For these reasons, this variant has been classified as Pathogenic.

Literature cited by the submitters: PubMed 20301336; PubMed 20447487; PubMed 21109228; PubMed 23289980; PubMed 28824526; PubMed 15810881.